The following is an entry in ClinVar:

NM_203290.4(POLR1C):c.1025C>T (p.Ala342Val)

Gene: POLR1C (RNA polymerase I and III subunit C; plus strand). Cytogenetic location: 6p21.1.
Variant type: single nucleotide variant.
Coding change: c.1025C>T on transcript NM_203290.4 (MANE Select); coding-DNA position 1025, C replaced by T.
Protein change: p.Ala342Val; replaces alanine 342 with valine.
Molecular consequence: missense variant. On other transcripts: intron variant (2).
Genome position (GRCh38, 1-based): chr6:43,521,284, C>T. VCF-style: chr6-43521284-C-T. GRCh37 (hg19) VCF-style: chr6-43489022-C-T.
Other names: c.1025C>T (NM_203290.2, NM_203290.3); c.922+236C>T (NM_001318876.2, NM_001363658.2); short protein forms A342V.
Identifiers: ClinVar variation 1410652 (VCV001410652.9), dbSNP rs140888409, ClinGen allele CA3825667.

ClinVar aggregate classification (germline): Uncertain significance. Review status: criteria provided, multiple submitters, no conflicts (2 of 4 stars). 3 submissions from 3 submitters: Uncertain significance (3). Last evaluated 2026-09-25.

Conditions:
Inborn genetic diseases. Identifiers: MedGen C0950123, MeSH D030342.
POLR1C-related disorder. Also called: POLR1C-related disorders; POLR1C-related condition. Identifiers: MedGen CN239394, MONDO:0700278.

Allele frequency attached by ClinVar (database versions not stated): gnomAD exomes 0.00003 and 0.00008; ExAC 0.00010; gnomAD 0.00025 and 0.00027; TOPMed 0.00032; ESP Exome Variant Server 0.00046.

Submissions (3):

PreventionGenetics, part of Exact Sciences
Classification: Uncertain significance for POLR1C-related condition. Last evaluated: 2026-09-25. Review status: criteria provided, single submitter. Criteria: ACMG Guidelines, 2015. Collection method: clinical testing. Allele origin: germline.
Comment: The POLR1C c.1025C>T variant is predicted to result in the amino acid substitution p.Ala342Val. To our knowledge, this variant has not been reported in the literature. This variant is reported in 0.11% of alleles in individuals of African descent in gnomAD. Although we suspect that this variant may be benign, at this time, the clinical significance of this variant is uncertain due to the absence of conclusive functional and genetic evidence.

Labcorp Genetics (formerly Invitae), Labcorp
Classification: Uncertain significance. Last evaluated: 2025-07-21. Review status: criteria provided, single submitter. Criteria: Invitae Variant Classification Sherloc (09022015). Collection method: clinical testing. Allele origin: germline.
Comment: This sequence change replaces alanine, which is neutral and non-polar, with valine, which is neutral and non-polar, at codon 342 of the POLR1C protein (p.Ala342Val). This variant is present in population databases (rs140888409, gnomAD 0.1%). This variant has not been reported in the literature in individuals affected with POLR1C-related conditions. ClinVar contains an entry for this variant (Variation ID: 1410652). An algorithm developed to predict the effect of missense changes on protein structure and function (PolyPhen-2) suggests that this variant is likely to be tolerated. In summary, the available evidence is currently insufficient to determine the role of this variant in disease. Therefore, it has been classified as a Variant of Uncertain Significance.

Ambry Genetics
Classification: Uncertain significance for Inborn genetic diseases. Last evaluated: 2024-12-31. Review status: criteria provided, single submitter. Criteria: Ambry Variant Classification Scheme 2023. Collection method: clinical testing. Allele origin: germline.